The following is an entry in ClinVar:

ClinVar aggregate classification (germline): Uncertain significance (1 of 4 stars; one submission).

Conditions:
Developmental and epileptic encephalopathy, 31A. Also called: Developmental and epileptic encephalopathy, 31; Epileptic encephalopathy, early infantile, 31. Identifiers: Orphanet 2382, MedGen C4225357, MONDO:0014598, OMIM 616346.

Submission:

Neuberg Centre For Genomic Medicine, NCGM
Classification: Uncertain significance for Developmental and epileptic encephalopathy, 31A. Last evaluated: 2023-06-02. Review status: criteria provided, single submitter. Criteria: ACMG Guidelines, 2015. Collection method: clinical testing. Allele origin: germline. Inheritance: Autosomal dominant inheritance. Affected: yes.
Comment: The observed missense variant c.1892G>A(p.Gly631Glu) in the DNM1 gene has not been reported previously as a pathogenic variant nor a benign variant, to our knowledge. The p.Gly631Glu variant is novel (not in any individuals) in gnomAD Exomes and 1000 Genomes. The amino acid Glycine at position 631 is changed to a Glutamate changing protein sequence and it might alter its composition and physico-chemical properties. This variant has not been reported to the ClinVar database. The amino acid change p.Gly631Glu in DNM1 is predicted as conserved by GERP++ and PhyloP across 100 vertebrates. For these reasons, this variant has been classified as Uncertain Significance (VUS).

NM_004408.4(DNM1):c.1892G>A (p.Gly631Glu)

Gene: DNM1 (dynamin 1; plus strand). Cytogenetic location: 9q34.11.
Variant type: single nucleotide variant.
Coding change: c.1892G>A on transcript NM_004408.4 (MANE Select); coding-DNA position 1892, G replaced by A.
Protein change: p.Gly631Glu; replaces glycine 631 with glutamic acid.
Molecular consequence: missense variant.
Genome position (GRCh38, 1-based): chr9:128,247,485, G>A. VCF-style: chr9-128247485-G-A. GRCh37 (hg19) VCF-style: chr9-131009764-G-A.
Other names: c.1892G>A, p.Gly631Glu (NM_001005336.3, NM_001288737.2, NM_001288738.2 and 2 more transcripts); short protein forms G631E.
Identifiers: ClinVar variation 3362303 (VCV003362303.3).